The following is an entry in ClinVar:

NM_007255.3(B4GALT7):c.-36G>A

Genes: B4GALT7 (beta-1,4-galactosyltransferase 7; plus strand), LOC129995400 (ATAC-STARR-seq lymphoblastoid silent region 16704; plus strand). Cytogenetic location: 5q35.3.
Variant type: single nucleotide variant.
Coding change: c.-36G>A on transcript NM_007255.3 (MANE Select); 36 bases upstream of the start codon, G replaced by A.
Molecular consequence: 5 prime UTR variant.
Genome position (GRCh38, 1-based): chr5:177,600,175, G>A. VCF-style: chr5-177600175-G-A. GRCh37 (hg19) VCF-style: chr5-177027176-G-A.
Identifiers: ClinVar variation 511171 (VCV000511171.1), dbSNP rs1241587845, ClinGen allele CA564518079.
Genomic context (GRCh38, chr5:177,600,175, plus strand): 5'-TGGGCGGAGCGGGAGGCGGAGGCGCCGCGTAGGCCCGGGAGGCCGGGCCGGCCGGGCTGC[G>A]AGCGCCTGCCCCATGCGCCGCCGCCTCTCCGCACGATGTTCCCCTCGCGGAGGAAAGCGG-3'

ClinVar aggregate classification (germline): Likely benign (1 of 4 stars; one submission).

Allele frequency attached by ClinVar (database versions not stated): gnomAD 0.00007; gnomAD exomes 0.00008; TOPMed 0.00013; 1000 Genomes Project 30x 0.00016.
gnomAD v4.1: 150 of 1,259,434 alleles (0.012%); highest among the groups gnomAD compares: Admixed American, 0.062%; no homozygotes.

Submission:

GeneDx
Classification: Likely benign. Last evaluated: 2017-08-01. Review status: criteria provided, single submitter. Criteria: GeneDx Variant Classification (06012015). Collection method: clinical testing. Allele origin: germline. Affected: yes.
Comment: This variant is considered likely benign or benign based on one or more of the following criteria: it is a conservative change, it occurs at a poorly conserved position in the protein, it is predicted to be benign by multiple in silico algorithms, and/or has population frequency not consistent with disease.